The following is an entry in ClinVar:

NM_020699.4(GATAD2B):c.1570A>G (p.Thr524Ala)

Gene: GATAD2B (GATA zinc finger domain containing 2B; minus strand). Cytogenetic location: 1q21.3.
Variant type: single nucleotide variant.
Coding change: c.1570A>G on transcript NM_020699.4 (MANE Select); coding-DNA position 1570, A replaced by G.
Protein change: p.Thr524Ala; replaces threonine 524 with alanine.
Molecular consequence: missense variant.
Genome position (GRCh38, 1-based): chr1:153,811,809, T>C on the plus strand (A>G on the coding strand, the complement: GATAD2B is on the minus strand). VCF-style: chr1-153811809-T-C. GRCh37 (hg19) VCF-style: chr1-153784285-T-C.
Other names: short protein forms T524A.
Identifiers: ClinVar variation 2070802 (VCV002070802.4), dbSNP rs1674301237, ClinGen allele CA342580900.

ClinVar aggregate classification (germline): Uncertain significance (1 of 4 stars; one submission).

Submission:

Labcorp Genetics (formerly Invitae), Labcorp
Classification: Uncertain significance. Last evaluated: 2022-06-07. Review status: criteria provided, single submitter. Criteria: Invitae Variant Classification Sherloc (09022015). Collection method: clinical testing. Allele origin: germline.
Comment: In summary, the available evidence is currently insufficient to determine the role of this variant in disease. Therefore, it has been classified as a Variant of Uncertain Significance. Algorithms developed to predict the effect of missense changes on protein structure and function are either unavailable or do not agree on the potential impact of this missense change (SIFT: "Not Available"; PolyPhen-2: "Benign"; Align-GVGD: "Not Available"). This variant has not been reported in the literature in individuals affected with GATAD2B-related conditions. This variant is not present in population databases (gnomAD no frequency). This sequence change replaces threonine, which is neutral and polar, with alanine, which is neutral and non-polar, at codon 524 of the GATAD2B protein (p.Thr524Ala).